The following is an entry in ClinVar:

NC_000012.12:g.121626947A>G

Genes: ORAI1 (ORAI calcium release-activated calcium modulator 1; plus strand), LOC130008987 (ATAC-STARR-seq lymphoblastoid silent region 4981; plus strand). Cytogenetic location: 12q24.31.
Variant type: single nucleotide variant.
Molecular consequence: non-coding transcript variant (on NR_186857.1).
Genome position: GRCh38 VCF-style: chr12-121626947-A-G. GRCh37 (hg19) VCF-style: chr12-122064853-A-G.
Identifiers: ClinVar variation 3755091 (VCV003755091.2).
Genomic context (GRCh38, chr12:121,626,947, plus strand): 5'-CGTCCGCCGTCACCTACCCGGACTGGATCGGCCAGAGTTACTCCGAGGTGATGAGCCTCA[A>G]CGAGCACTCCATGCAGGCGCTGTCCTGGCGCAAGCTCTACTTGAGCCGCGCCAAGCTTAA-3'

ClinVar aggregate classification (germline): Uncertain significance (1 of 4 stars; one submission).

Conditions:
Combined immunodeficiency due to ORAI1 deficiency. Also called: IMMUNODEFICIENCY 9. Identifiers: Orphanet 169090, Orphanet 317428, MedGen C2748568, MONDO:0013007, OMIM 612782.
Myopathy, tubular aggregate, 2 (TAM2). Identifiers: MedGen C4014557, MONDO:0014383, OMIM 615883.

Submission:

Labcorp Genetics (formerly Invitae), Labcorp
Classification: Uncertain significance for Myopathy, tubular aggregate, 2; Combined immunodeficiency due to ORAI1 deficiency. Last evaluated: 2024-03-03. Review status: criteria provided, single submitter. Criteria: Invitae Variant Classification Sherloc (09022015). Collection method: clinical testing. Allele origin: germline.
Comment: This sequence change replaces asparagine, which is neutral and polar, with serine, which is neutral and polar, at codon 67 of the ORAI1 protein (p.Asn67Ser). This variant is present in population databases (no rsID available, gnomAD 0.0009%). This variant has not been reported in the literature in individuals affected with ORAI1-related conditions. Experimental studies and prediction algorithms are not available or were not evaluated, and the functional significance of this variant is currently unknown. In summary, the available evidence is currently insufficient to determine the role of this variant in disease. Therefore, it has been classified as a Variant of Uncertain Significance.